The following is an entry in ClinVar:

NM_003072.5(SMARCA4):c.3483C>T (p.Leu1161=)

Gene: SMARCA4 (SWI/SNF related BAF chromatin remodeling complex subunit ATPase 4; plus strand). Cytogenetic location: 19p13.2.
Variant type: single nucleotide variant.
Coding change: c.3483C>T on transcript NM_003072.5 (MANE Select); coding-DNA position 3483, C replaced by T.
Protein change: p.Leu1161=; no amino-acid change (leucine 1161 retained).
Molecular consequence: synonymous variant. On other transcripts: non-coding transcript variant (1).
Genome position (GRCh38, 1-based): chr19:11,030,830, C>T. VCF-style: chr19-11030830-C-T. GRCh37 (hg19) VCF-style: chr19-11141506-C-T.
Other names: c.3483C>T, p.Leu1161= (NM_001128844.3, NM_001128845.2, NM_001128846.2 and 5 more transcripts).
Identifiers: ClinVar variation 238429 (VCV000238429.20), dbSNP rs375444418, ClinGen allele CA9204431.
Genomic context (GRCh38, chr19:11,030,830, plus strand): 5'-CTTCAACGAGCCCGGCTCTGAGTACTTCATCTTCCTGCTCAGCACCCGGGCTGGGGGGCT[C>T]GGCCTGAACCTCCAGTCGGCAGACACTGTGATCATTTTTGACAGCGACTGGAATCCTCAC-3'
Protein context (NP_003063.2, residues 1151-1171): IFLLSTRAGG[Leu1161=]GLNLQSADTV

ClinVar aggregate classification (germline): Benign/Likely benign. Review status: criteria provided, multiple submitters, no conflicts (2 of 4 stars). 5 submissions from 5 submitters: Benign (2); Likely benign (2). 1 of the submissions does not count toward it. Last evaluated 2026-07-14.

Conditions:
SMARCA4-related disorder. Also called: SMARCA4-related condition.
Hereditary cancer-predisposing syndrome. Also called: Hereditary Cancer Syndrome; Tumor predisposition; Hereditary neoplastic syndrome; Neoplastic Syndromes, Hereditary. Identifiers: Orphanet 140162, MedGen C0027672, MeSH D009386, MONDO:0015356.
Rhabdoid tumor predisposition syndrome 2 (RTPS2). Identifiers: Orphanet 231108, Orphanet 69077, MedGen C2750074, MONDO:0013224, OMIM 613325.

Allele frequency attached by ClinVar (database versions not stated): gnomAD exomes 0.00002 and 0.00006; TOPMed 0.00007; 1000 Genomes Project 0.00020; ESP Exome Variant Server 0.00008; 1000 Genomes Project 30x 0.00016; gnomAD 0.00006; ExAC 0.00007.
gnomAD v4.1: 41 of 1,608,242 alleles (0.0025%); highest among the groups gnomAD compares: East Asian, 0.025%; no homozygotes.

Submissions (5):

Myriad Genetics, Inc.
Classification: Benign for Rhabdoid tumor predisposition syndrome 2. Last evaluated: 2026-07-14. Review status: criteria provided, single submitter. Criteria: Myriad Autosomal Dominant, Autosomal Recessive and X-Linked Classification Criteria (2023). Collection method: clinical testing. Allele origin: unknown.
Comment: This variant is considered benign. This variant is a silent/synonymous amino acid change and it is not expected to impact splicing.

Labcorp Genetics (formerly Invitae), Labcorp
Classification: Likely benign for Rhabdoid tumor predisposition syndrome 2. Last evaluated: 2026-01-20. Review status: criteria provided, single submitter. Criteria: Invitae Variant Classification Sherloc (09022015). Collection method: clinical testing. Allele origin: germline.

Sema4
Classification: Benign for Hereditary cancer-predisposing syndrome. Last evaluated: 2021-10-12. Review status: criteria provided, single submitter. Criteria: Sema4 Curation Guidelines. Collection method: curation. Allele origin: germline.

Ambry Genetics
Classification: Likely benign for Hereditary cancer-predisposing syndrome. Last evaluated: 2016-09-29. Review status: criteria provided, single submitter. Criteria: Ambry Variant Classification Scheme 2023. Collection method: clinical testing. Allele origin: germline.

PreventionGenetics, part of Exact Sciences
Classification: Likely benign for SMARCA4-related condition. Last evaluated: 2019-06-10. Review status: no assertion criteria provided. Collection method: clinical testing. Allele origin: germline. Not counted in ClinVar's aggregate classification.
Comment: This variant is classified as likely benign based on ACMG/AMP sequence variant interpretation guidelines (Richards et al. 2015 PMID: 25741868, with internal and published modifications).